The following is an entry in ClinVar:

NM_006393.3(NEBL):c.2390T>C (p.Phe797Ser)

Gene: NEBL (nebulette; minus strand). Cytogenetic location: 10p12.31.
Variant type: single nucleotide variant.
Coding change: c.2390T>C on transcript NM_006393.3 (MANE Select); coding-DNA position 2390, T replaced by C.
Protein change: p.Phe797Ser; replaces phenylalanine 797 with serine.
Molecular consequence: missense variant.
Genome position (GRCh38, 1-based): chr10:20,812,897, A>G on the plus strand (T>C on the coding strand, the complement: NEBL is on the minus strand). VCF-style: chr10-20812897-A-G. GRCh37 (hg19) VCF-style: chr10-21101826-A-G.
Other names: c.401T>C, p.Phe134Ser (NM_001173484.2, NM_001377322.1, NM_213569.2); c.353T>C, p.Phe118Ser (NM_001377323.1); c.344T>C, p.Phe115Ser (NM_001377324.1); c.335T>C, p.Phe112Ser (NM_001377325.1); c.293T>C, p.Phe98Ser (NM_001377326.1, NM_001377327.1, NM_001377328.1); short protein forms F112S, F115S, F118S, F134S, F797S, F98S.
Identifiers: ClinVar variation 1001083 (VCV001001083.9), dbSNP rs1838312385, ClinGen allele CA376093443.

ClinVar aggregate classification (germline): Uncertain significance (1 of 4 stars; one submission).

Conditions:
Primary dilated cardiomyopathy (DCM). Also called: Dilated Cardiomyopathy. Identifiers: Orphanet 217604, MedGen C0007193, MeSH D002311, MONDO:0005021, HP:0001644. Inheritance: Various modes of inheritance.

Allele frequency attached by ClinVar (database versions not stated): gnomAD 0.00001.

Submission:

Labcorp Genetics (formerly Invitae), Labcorp
Classification: Uncertain significance for Primary dilated cardiomyopathy. Last evaluated: 2024-04-30. Review status: criteria provided, single submitter. Criteria: Invitae Variant Classification Sherloc (09022015). Collection method: clinical testing. Allele origin: germline.
Comment: This sequence change replaces phenylalanine, which is neutral and non-polar, with serine, which is neutral and polar, at codon 797 of the NEBL protein (p.Phe797Ser). This variant is not present in population databases (gnomAD no frequency). This variant has not been reported in the literature in individuals affected with NEBL-related conditions. ClinVar contains an entry for this variant (Variation ID: 1001083). An algorithm developed to predict the effect of missense changes on protein structure and function (PolyPhen-2) suggests that this variant is likely to be disruptive. In summary, the available evidence is currently insufficient to determine the role of this variant in disease. Therefore, it has been classified as a Variant of Uncertain Significance.